The following is an entry in ClinVar:

ClinVar aggregate classification (germline): Uncertain significance (1 of 4 stars; one submission).

Conditions:
Hereditary sensory neuropathy-deafness-dementia syndrome. Also called: Hereditary Sensory and Autonomic Neuropathy Type 1E (HSAN1E); Hereditary sensory neuropathy type IE; HSN IE; NEUROPATHY, HEREDITARY SENSORY, WITH HEARING LOSS AND DEMENTIA. Identifiers: Orphanet 456318, MedGen C3279885, MONDO:0013584, OMIM 614116.

Submission:

Labcorp Genetics (formerly Invitae), Labcorp
Classification: Uncertain significance for Hereditary sensory neuropathy-deafness-dementia syndrome. Last evaluated: 2022-11-22. Review status: criteria provided, single submitter. Criteria: Invitae Variant Classification Sherloc (09022015). Collection method: clinical testing. Allele origin: germline.
Comment: In summary, the available evidence is currently insufficient to determine the role of this variant in disease. Therefore, it has been classified as a Variant of Uncertain Significance. Advanced modeling of protein sequence and biophysical properties (such as structural, functional, and spatial information, amino acid conservation, physicochemical variation, residue mobility, and thermodynamic stability) performed at Invitae indicates that this missense variant is expected to disrupt DNMT1 protein function. ClinVar contains an entry for this variant (Variation ID: 964273). This variant has not been reported in the literature in individuals affected with DNMT1-related conditions. This variant is not present in population databases (gnomAD no frequency). This sequence change replaces serine, which is neutral and polar, with cysteine, which is neutral and slightly polar, at codon 1262 of the DNMT1 protein (p.Ser1262Cys).

NM_001130823.3(DNMT1):c.3785C>G (p.Ser1262Cys)

Gene: DNMT1 (DNA methyltransferase 1; minus strand). Cytogenetic location: 19p13.2.
Variant type: single nucleotide variant.
Coding change: c.3785C>G on transcript NM_001130823.3 (MANE Select); coding-DNA position 3785, C replaced by G.
Protein change: p.Ser1262Cys; replaces serine 1262 with cysteine.
Molecular consequence: missense variant.
Genome position (GRCh38, 1-based): chr19:10,140,067, G>C on the plus strand (C>G on the coding strand, the complement: DNMT1 is on the minus strand). VCF-style: chr19-10140067-G-C. GRCh37 (hg19) VCF-style: chr19-10250743-G-C.
Other names: c.3737C>G, p.Ser1246Cys (NM_001318730.2, NM_001379.4); c.3422C>G, p.Ser1141Cys (NM_001318731.2); short protein forms S1262C, S1141C, S1246C.
Identifiers: ClinVar variation 964273 (VCV000964273.9), dbSNP rs2089572317, ClinGen allele CA403972713.
Genomic context (GRCh38, chr19:10,140,067, plus strand): 5'-GGGCCGTCTGGCAACACTGGGGGGCTTCTACCCGTTTACCTGAGGAAGGAAACCACCAGA[G>C]AGTTTTTGAACTTGGAGTAGGTGCGCGAATTGAAGCGGTTCATGCCGCTGAAGCCCTGGC-3'
Protein context (NP_001124295.1, residues 1252-1272): NSRTYSKFKN[Ser1262Cys]LVVSFLSYCD